The following is an entry in ClinVar:

NM_022132.5(MCCC2):c.-20C>G

Gene: MCCC2 (methylcrotonyl-CoA carboxylase subunit 2; plus strand). Cytogenetic location: 5q13.2.
Variant type: single nucleotide variant.
Coding change: c.-20C>G on transcript NM_022132.5 (MANE Select); 20 bases upstream of the start codon, C replaced by G.
Molecular consequence: 5 prime UTR variant.
Genome position (GRCh38, 1-based): chr5:71,587,406, C>G. VCF-style: chr5-71587406-C-G. GRCh37 (hg19) VCF-style: chr5-70883233-C-G.
Other names: c.-20C>G (NM_001363147.1).
Identifiers: ClinVar variation 378120 (VCV000378120.1), dbSNP rs369716018, ClinGen allele CA3297646.

ClinVar aggregate classification (germline): Likely benign (1 of 4 stars; one submission).

Allele frequency attached by ClinVar (database versions not stated): ExAC 0.00027; gnomAD exomes 0.00030 and 0.00053; ESP Exome Variant Server 0.00144; gnomAD 0.00273 and 0.00251; TOPMed 0.00316; 1000 Genomes Project 0.00180; 1000 Genomes Project 30x 0.00203.
gnomAD v4.1: 804 of 1,532,978 alleles (0.052%); highest among the groups gnomAD compares: African/African-American, 0.82%; 3 homozygotes.

Submission:

GeneDx
Classification: Likely benign. Last evaluated: 2017-07-05. Review status: criteria provided, single submitter. Criteria: GeneDx Variant Classification (06012015). Collection method: clinical testing. Allele origin: germline. Affected: yes.
Comment: This variant is considered likely benign or benign based on one or more of the following criteria: it is a conservative change, it occurs at a poorly conserved position in the protein, it is predicted to be benign by multiple in silico algorithms, and/or has population frequency not consistent with disease.